The following is an entry in ClinVar:

ClinVar aggregate classification (germline): Uncertain significance (1 of 4 stars; one submission).

Allele frequency attached by ClinVar (database versions not stated): gnomAD exomes below 0.00001.
gnomAD v4.1: 2 of 1,614,188 alleles (0.00012%); highest among the groups gnomAD compares: Admixed American, 0.0017%; no homozygotes.

Submission:

Ambry Genetics
Classification: Uncertain significance. Last evaluated: 2022-05-04. Review status: criteria provided, single submitter. Criteria: Ambry Variant Classification Scheme 2023. Collection method: clinical testing. Allele origin: germline.
Comment: The p.D879N variant (also known as c.2635G>A), located in coding exon 24 of the KIF1B gene, results from a G to A substitution at nucleotide position 2635. The aspartic acid at codon 879 is replaced by asparagine, an amino acid with highly similar properties. This amino acid position is highly conserved in available vertebrate species. In addition, this alteration is predicted to be tolerated by in silico analysis. Since supporting evidence is limited at this time, the clinical significance of this alteration remains unclear.

NM_001365951.3(KIF1B):c.2773G>A (p.Asp925Asn)

Genes: KIF1B (kinesin family member 1B; plus strand), LOC126805614 (BRD4-independent group 4 enhancer GRCh37_chr1:10385546-10386745; plus strand). Cytogenetic location: 1p36.22.
Variant type: single nucleotide variant.
Coding change: c.2773G>A on transcript NM_001365951.3 (MANE Select); coding-DNA position 2773, G replaced by A.
Protein change: p.Asp925Asn; replaces aspartic acid 925 with asparagine.
Molecular consequence: missense variant.
Genome position (GRCh38, 1-based): chr1:10,326,208, G>A. VCF-style: chr1-10326208-G-A. GRCh37 (hg19) VCF-style: chr1-10386266-G-A.
Other names: c.2773G>A, p.Asp925Asn (NM_001365952.1); c.2635G>A, p.Asp879Asn (NM_015074.3); short protein forms D925N, D879N.
Identifiers: ClinVar variation 1794110 (VCV001794110.2), dbSNP rs2521639615, ClinGen allele CA338337086.